The following is an entry in ClinVar:

NM_001323682.2(NRSN2):c.238C>G (p.Leu80Val)

Gene: NRSN2 (neurensin 2; plus strand). Cytogenetic location: 20p13.
Variant type: single nucleotide variant.
Coding change: c.238C>G on transcript NM_001323682.2 (MANE Select); coding-DNA position 238, C replaced by G.
Protein change: p.Leu80Val; replaces leucine 80 with valine.
Molecular consequence: missense variant. On other transcripts: non-coding transcript variant (1).
Genome position (GRCh38, 1-based): chr20:353,258, C>G. VCF-style: chr20-353258-C-G. GRCh37 (hg19) VCF-style: chr20-333902-C-G.
Other names: c.238C>G, p.Leu80Val (NM_024958.3, NM_001323679.2, NM_001323680.2 and 4 more transcripts); short protein forms L80V.
Identifiers: ClinVar variation 4861192 (VCV004861192.1).
Genomic context (GRCh38, chr20:353,258, plus strand): 5'-GCTTCTCCCTAGATCAGCCTGTCCTCGGGGACCCTGCTTCTGCTGCTGGGTGTGGCGGCT[C>G]TGACCACTGGCTATGCAGTGCCCCCCAAGCTGGAGGGCATCGGTGAGGGTGAGTTCCTGG-3'
Protein context (NP_001310611.1, residues 70-90): TLLLLLGVAA[Leu80Val]TTGYAVPPKL

ClinVar aggregate classification (germline): Uncertain significance (1 of 4 stars; one submission).

Submission:

Ambry Genetics
Classification: Uncertain significance. Last evaluated: 2026-03-31. Review status: criteria provided, single submitter. Criteria: Ambry Variant Classification Scheme 2023. Collection method: clinical testing. Allele origin: germline.
Comment: The c.238C>G (p.L80V) alteration is located in exon 4 (coding exon 2) of the NRSN2 gene. This alteration results from a C to G substitution at nucleotide position 238, causing the leucine (L) at amino acid position 80 to be replaced by a valine (V). Based on data from gnomAD, the G allele has an overall frequency of 0.007% (21/282608) total alleles studied. The highest observed frequency was 0.024% (6/25116) of European (Finnish) alleles. Based on insufficient or conflicting evidence, the clinical significance of this alteration remains unclear.